The following is an entry in ClinVar:

ClinVar aggregate classification (germline): Conflicting classifications of pathogenicity. Review status: criteria provided, conflicting classifications (1 of 4 stars). 2 submissions from 2 submitters: Likely pathogenic (1); Uncertain significance (1). Last evaluated 2022-05-09.

Conditions:
Tuberous sclerosis 2 (TSC2). Identifiers: Orphanet 805, MedGen C1860707, MONDO:0013199, OMIM 613254.

Submissions (2):

Center for Genomics, Ann and Robert H. Lurie Children's Hospital of Chicago
Classification: Likely pathogenic for Tuberous sclerosis 2. Last evaluated: 2022-05-09. Review status: criteria provided, single submitter. Criteria: ACMG Guidelines, 2015. Collection method: clinical testing. Allele origin: germline. Observed: 1 variant allele, 1 mosaic individual.
Comment: This variant has not been reported in the literature and is not present in large control databases. Transcriptional analyses performed internally demonstrate that this variant causes the splice site to shift by two nucleotide positions, causing the last two nucleotides of the canonical intron 21 to be incorporated into exon 22 of the mRNA transcript (NM_000548.5:r.2354_2355dup); this is expected to result in a frameshift and the introduction of a premature termination codon 43 amino acid positions downstream in exon 22 (p.Arg786Serfs*44), leading to a severely truncated or absent protein. Loss of function variants are a known mechanism of disease for this gene (Rosset 2017 PMID: 28222202). In summary, data on this variant is highly suspicious for disease, but requires further evidence for pathogenicity. Therefore, this variant is classified as likely pathogenic.

identified by commerical laboratory; transcriptional analyses performed by submitting laboratory

Labcorp Genetics (formerly Invitae), Labcorp
Classification: Uncertain significance for Tuberous sclerosis 2. Last evaluated: 2021-12-19. Review status: criteria provided, single submitter. Criteria: Invitae Variant Classification Sherloc (09022015). Collection method: clinical testing. Allele origin: germline.
Comment: This sequence change falls in intron 21 of the TSC2 gene. It does not directly change the encoded amino acid sequence of the TSC2 protein. It affects a nucleotide within the consensus splice site. Information on the frequency of this variant in the gnomAD database is not available, as this variant may be reported differently in the database. This variant has not been reported in the literature in individuals affected with TSC2-related conditions. Variants that disrupt the consensus splice site are a relatively common cause of aberrant splicing (PMID: 17576681, 9536098). Algorithms developed to predict the effect of sequence changes on RNA splicing suggest that this variant may disrupt the consensus splice site. In summary, the available evidence is currently insufficient to determine the role of this variant in disease. Therefore, it has been classified as a Variant of Uncertain Significance.

Literature cited by the submitters: PubMed 17576681 (cited by Labcorp Genetics (formerly Invitae), Labcorp); PubMed 9536098 (cited by Labcorp Genetics (formerly Invitae), Labcorp).

NM_000548.5(TSC2):c.2356-4_2356-3delinsAG

Gene: TSC2 (TSC complex subunit 2; plus strand). Cytogenetic location: 16p13.3.
Variant type: Indel.
Coding change: c.2356-4_2356-3delinsAG on transcript NM_000548.5 (MANE Select); 4 bases into the intron before coding-DNA position 2356 through 3 bases into the intron before coding-DNA position 2356, GC replaced by AG.
Molecular consequence: intron variant.
Genome position (GRCh38, 1-based): chr16:2,074,196-2,074,197, GC replaced by AG. VCF-style: chr16-2074196-GC-AG. GRCh37 (hg19) VCF-style: chr16-2124197-GC-AG.
Other names: c.2356-4_2356-3delinsAG (NM_001114382.3, NM_021055.3, NM_001370405.1 and 3 more transcripts); c.2245-4_2245-3delinsAG (NM_001318827.2); c.1756-4_1756-3delinsAG (NM_001318831.2); c.2209-4_2209-3delinsAG (NM_001318829.2); c.2389-4_2389-3delinsAG (NM_001318832.2).
Identifiers: ClinVar variation 2049095 (VCV002049095.5), dbSNP rs2543810686, ClinGen allele CA2580090835.
Genomic context (GRCh38, chr16:2,074,196, plus strand): 5'-GAGGGGTAGGCGAGGCTGCCTCTGCTGCAAGCGGGTGGGGCCTGAGGTGTCCTGTCTCCT[GC>AG]AGCGCGAGATGGTCTACTGCCTGGAGCAGGGCCTCATCCACCGCTGTGCCAGCCAGTGCG-3'